The following is an entry in ClinVar:

ClinVar aggregate classification (germline): Conflicting classifications of pathogenicity. Review status: criteria provided, conflicting classifications (1 of 4 stars). 3 submissions from 3 submitters: Uncertain significance (2); Likely benign (1). Last evaluated 2023-03-01.

Conditions:
Danon disease. Also called: ANTOPOL DISEASE; PSEUDOGLYCOGENOSIS II; Glycogen Storage Disease Type IIb; GSD IIb; LYSOSOMAL GLYCOGEN STORAGE DISEASE WITHOUT ACID MALTASE DEFICIENCY. Identifiers: Orphanet 34587, MedGen C0878677, MONDO:0010281, OMIM 300257.

Allele frequency attached by ClinVar (database versions not stated): TOPMed 0.00072; gnomAD 0.00074 and 0.00076; gnomAD exomes 0.00111.
gnomAD v4.1: 789 of 751,495 alleles (0.1%); highest among the groups gnomAD compares: Non-Finnish European, 0.12%; no homozygotes.

Submissions (3):

CeGaT Center for Human Genetics Tuebingen
Classification: Likely benign. Last evaluated: 2023-03-01. Review status: criteria provided, single submitter. Criteria: CeGaT Center For Human Genetics Tuebingen Variant Classification Criteria Version 2. Collection method: clinical testing. Allele origin: germline. Affected: yes. Observed: 3 variant alleles.
Comment: LAMP2: BS2

Fulgent Genetics
Classification: Uncertain significance for Danon disease. Last evaluated: 2021-10-14. Review status: criteria provided, single submitter. Criteria: ACMG Guidelines, 2015. Collection method: clinical testing. Allele origin: unknown.

Illumina Laboratory Services, Illumina
Classification: Uncertain significance for Danon disease. Last evaluated: 2018-01-13. Review status: criteria provided, single submitter. Criteria: ICSL Variant Classification Criteria 13 December 2019. Collection method: clinical testing. Allele origin: germline.

NM_002294.3(LAMP2):c.*1413A>G

Gene: LAMP2 (lysosome associated membrane protein 2; minus strand). Cytogenetic location: Xq24.
Variant type: single nucleotide variant.
Coding change: c.*1413A>G on transcript NM_002294.3 (MANE Select); 1413 bases downstream of the stop codon, A replaced by G.
Molecular consequence: 3 prime UTR variant. On other transcripts: intron variant (1).
Genome position (GRCh38, 1-based): chrX:120,429,910, T>C on the plus strand (A>G on the coding strand, the complement: LAMP2 is on the minus strand). VCF-style: chrX-120429910-T-C. GRCh37 (hg19) VCF-style: chrX-119563765-T-C.
Other names: c.1094-1284A>G (NM_001122606.1).
Identifiers: ClinVar variation 914114 (VCV000914114.29), dbSNP rs773379092, ClinGen allele CA335012263.